The following is an entry in ClinVar:

ClinVar aggregate classification (germline): Likely benign (1 of 4 stars; one submission).

Submission:

CeGaT Center for Human Genetics Tuebingen
Classification: Likely benign. Last evaluated: 2026-09-01. Review status: criteria provided, single submitter. Criteria: CeGaT Center For Human Genetics Tuebingen Variant Classification Criteria Version 2. Collection method: clinical testing. Allele origin: germline. Affected: yes. Observed: 1 variant allele.
Comment: TTN: PM2:Supporting, BP4, BP7

NM_001267550.2(TTN):c.11311+5601A>C

Genes: TTN (titin; minus strand), LOC126806432 (CDK7 strongly-dependent group 2 enhancer GRCh37_chr2:179611985-179613184; plus strand). Cytogenetic location: 2q31.2.
Variant type: single nucleotide variant.
Coding change: c.11311+5601A>C on transcript NM_001267550.2 (MANE Select); 5601 bases into the intron after coding-DNA position 11311, A replaced by C.
Molecular consequence: intron variant. On other transcripts: synonymous variant (1).
Genome position (GRCh38, 1-based): chr2:178,747,523, T>G on the plus strand (A>C on the coding strand, the complement: TTN is on the minus strand). VCF-style: chr2-178747523-T-G. GRCh37 (hg19) VCF-style: chr2-179612250-T-G.
Other names: c.14877A>C, p.Leu4959= (NM_133379.5); c.10222+5601A>C (NM_003319.4); c.10798+5601A>C (NM_133437.4); c.10597+5601A>C (NM_133432.3); c.10360+5601A>C (NM_133378.4, NM_001256850.1).
Identifiers: ClinVar variation 5041656 (VCV005041656.1).